The following is an entry in ClinVar:

ClinVar aggregate classification (germline): Benign/Likely benign. Review status: criteria provided, multiple submitters, no conflicts (2 of 4 stars). 9 submissions from 9 submitters: Benign (1); Likely benign (6). 2 of the submissions do not count toward it. Last evaluated 2025-08-18.

Conditions:
Cardiovascular phenotype. Identifiers: MedGen CN230736.
Long QT syndrome (LQTS). Identifiers: MedGen C0023976, MeSH D008133, MONDO:0002442. Disease mechanism: loss of function. Inheritance: Various modes of inheritance.

Allele frequency attached by ClinVar (database versions not stated): gnomAD exomes 0.00025 and 0.00051; gnomAD 0.00026 and 0.00027; TOPMed 0.00040; ExAC 0.00045; 1000 Genomes Project 0.00060; 1000 Genomes Project 30x 0.00062.
gnomAD v4.1: 432 of 1,614,004 alleles (0.027%); highest among the groups gnomAD compares: Middle Eastern, 0.31%; no homozygotes.

Submissions (9):

Genomic Medicine Center of Excellence, King Faisal Specialist Hospital and Research Centre
Classification: Likely benign. Last evaluated: 2025-08-18. Review status: criteria provided, single submitter. Criteria: ACMG Guidelines, 2015. Collection method: clinical testing. Allele origin: germline.

Blueprint Genetics
Classification: Likely benign. Last evaluated: 2024-11-04. Review status: criteria provided, single submitter. Criteria: ACMG Guidelines, 2015. Collection method: clinical testing. Allele origin: germline.

CeGaT Center for Human Genetics Tuebingen
Classification: Benign. Last evaluated: 2023-12-01. Review status: criteria provided, single submitter. Criteria: CeGaT Center For Human Genetics Tuebingen Variant Classification Criteria Version 2. Collection method: clinical testing. Allele origin: germline. Affected: yes. Observed: 2 variant alleles.
Comment: AKAP9: BS1, BS2

GeneDx
Classification: Likely benign. Last evaluated: 2021-07-28. Review status: criteria provided, single submitter. Criteria: GeneDx Variant Classification Process June 2021. Collection method: clinical testing. Allele origin: germline. Affected: yes.
Comment: This variant is associated with the following publications: (PMID: 26582918, 30847666, 28003625, 24981977)

Labcorp Genetics (formerly Invitae), Labcorp
Classification: Likely benign for Long QT syndrome. Last evaluated: 2019-12-31. Review status: criteria provided, single submitter. Criteria: Invitae Variant Classification Sherloc (09022015). Collection method: clinical testing. Allele origin: germline.

Molecular Diagnostic Laboratory for Inherited Cardiovascular Disease, Montreal Heart Institute
Classification: Likely benign. Last evaluated: 2019-12-31. Review status: criteria provided, single submitter. Criteria: ACMG Guidelines, 2015. Collection method: clinical testing. Allele origin: germline. Affected: yes.

Ambry Genetics
Classification: Likely benign for Cardiovascular phenotype. Last evaluated: 2019-01-02. Review status: criteria provided, single submitter. Criteria: Ambry Variant Classification Scheme 2023. Collection method: clinical testing. Allele origin: germline.

Clinical Genetics DNA and cytogenetics Diagnostics Lab, Erasmus MC, Erasmus Medical Center
Classification: Uncertain significance. Review status: no assertion criteria provided. Collection method: clinical testing. Allele origin: germline. Affected: yes. Study: VKGL Data-share Consensus. Not counted in ClinVar's aggregate classification.

Clinical Genetics, Academic Medical Center
Classification: Uncertain significance. Review status: no assertion criteria provided. Collection method: clinical testing. Allele origin: germline. Affected: yes. Study: VKGL Data-share Consensus. Not counted in ClinVar's aggregate classification.

Literature cited by the submitters: PubMed 24981977 (cited by Ambry Genetics); PubMed 28003625 (cited by Ambry Genetics).

NM_005751.5(AKAP9):c.4826G>A (p.Arg1609Lys)

Gene: AKAP9 (A-kinase anchoring protein 9; plus strand). Cytogenetic location: 7q21.2.
Variant type: single nucleotide variant.
Coding change: c.4826G>A on transcript NM_005751.5 (MANE Select); coding-DNA position 4826, G replaced by A.
Protein change: p.Arg1609Lys; replaces arginine 1609 with lysine.
Molecular consequence: missense variant.
Genome position (GRCh38, 1-based): chr7:92,040,807, G>A. VCF-style: chr7-92040807-G-A. GRCh37 (hg19) VCF-style: chr7-91670121-G-A.
Other names: c.4826G>A, p.Arg1609Lys (NM_147185.3); short protein forms R1609K.
Identifiers: ClinVar variation 668175 (VCV000668175.40), dbSNP rs148146011, ClinGen allele CA4336663.